The following is an entry in ClinVar:

NM_000553.6(WRN):c.3726del (p.Lys1243fs)

Gene: WRN (WRN RecQ like helicase; plus strand). Cytogenetic location: 8p12.
Variant type: Deletion.
Coding change: c.3726del on transcript NM_000553.6 (MANE Select); coding-DNA position 3726, one base deleted (G; older notation c.3726delG).
Protein change: p.Lys1243fs; shifts the reading frame from lysine 1243.
Molecular consequence: frameshift variant.
Genome position (GRCh38, 1-based): chr8:31,154,662, G deleted. VCF-style (leftmost placement, unchanged base first): chr8-31154661-AG-A. GRCh37 (hg19) VCF-style: chr8-31012177-AG-A.
Other names: short protein forms K1243fs.
Identifiers: ClinVar variation 1455906 (VCV001455906.7), dbSNP rs2130469991, ClinGen allele CA2573142745.

ClinVar aggregate classification (germline): Pathogenic/Likely pathogenic. Review status: criteria provided, multiple submitters, no conflicts (2 of 4 stars). 2 submissions from 2 submitters: Pathogenic (1); Likely pathogenic (1). Last evaluated 2024-03-06.

Conditions:
Werner syndrome (WRN). Identifiers: Orphanet 902, MedGen C0043119, MONDO:0010196, OMIM 277700.

Allele frequency attached by ClinVar (database versions not stated): gnomAD exomes below 0.00001.

Submissions (2):

Labcorp Genetics (formerly Invitae), Labcorp
Classification: Pathogenic for Werner syndrome. Last evaluated: 2024-03-06. Review status: criteria provided, single submitter. Criteria: Invitae Variant Classification Sherloc (09022015). Collection method: clinical testing. Allele origin: germline.
Comment: This sequence change creates a premature translational stop signal (p.Lys1243Argfs*5) in the WRN gene. It is expected to result in an absent or disrupted protein product. Loss-of-function variants in WRN are known to be pathogenic (PMID: 16673358). This variant is not present in population databases (gnomAD no frequency). This variant has not been reported in the literature in individuals affected with WRN-related conditions. ClinVar contains an entry for this variant (Variation ID: 1455906). For these reasons, this variant has been classified as Pathogenic.

Baylor Genetics
Classification: Likely pathogenic for Werner syndrome. Last evaluated: 2023-06-11. Review status: criteria provided, single submitter. Criteria: ACMG Guidelines, 2015. Collection method: clinical testing. Allele origin: unknown.

Literature cited by the submitters: PubMed 16673358 (cited by Labcorp Genetics (formerly Invitae), Labcorp).